The following is an entry in ClinVar:

ClinVar aggregate classification (germline): Uncertain significance (0 of 4 stars; one submission).

Conditions:
Macrothrombocytopenia and granulocyte inclusions with or without nephritis or sensorineural hearing loss (MATINS). Also called: MYH9-Related Disease (MYH9-RD); MACROTHROMBOCYTOPENIA WITH LEUKOCYTE INCLUSIONS; BLEEDING DISORDER, PLATELET-TYPE, 6; SEBASTIAN PLATELET SYNDROME; MACROTHROMBOCYTOPENIA WITH DISPERSED LEUKOCYTIC INCLUSIONS; MACROTHROMBOCYTOPENIA, NEPHRITIS, AND DEAFNESS. Identifiers: Orphanet 182050, MedGen C5200934, MONDO:0015912, OMIM 155100.

Allele frequency attached by ClinVar (database versions not stated): gnomAD exomes 0.00001.
gnomAD v4.1: 9 of 1,613,790 alleles (0.00056%); highest among the groups gnomAD compares: Non-Finnish European, 0.00076%; no homozygotes.

Submission:

ISTH-SSC Genomics in Thrombosis and Hemostasis, KU Leuven, Center for Molecular and Vascular Biology
Classification: Uncertain significance for Macrothrombocytopenia and granulocyte inclusions with or without nephritis or sensorineural hearing loss. Review status: no assertion criteria provided. Collection method: clinical testing. Allele origin: unknown. Affected: yes.
Comment: Submitted to GoldVariant by Prof Kathleen Freson from Center for Molecular and Vascular Biology, Leuven, Belgium

NM_002473.6(MYH9):c.651C>A (p.Ile217=)

Gene: MYH9 (myosin heavy chain 9; minus strand). Cytogenetic location: 22q12.3.
Variant type: single nucleotide variant.
Coding change: c.651C>A on transcript NM_002473.6 (MANE Select); coding-DNA position 651, C replaced by A.
Protein change: p.Ile217=; no amino-acid change (isoleucine 217 retained).
Molecular consequence: synonymous variant.
Genome position (GRCh38, 1-based): chr22:36,322,483, G>T on the plus strand (C>A on the coding strand, the complement: MYH9 is on the minus strand). VCF-style: chr22-36322483-G-T. GRCh37 (hg19) VCF-style: chr22-36718528-G-T.
Identifiers: ClinVar variation 1684473 (VCV001684473.1), dbSNP rs2017270174, ClinGen allele CA514369995.